The following is an entry in ClinVar:

NM_001278116.2(L1CAM):c.1891G>T (p.Val631Leu)

Gene: L1CAM (L1 cell adhesion molecule; minus strand). Cytogenetic location: Xq28.
Variant type: single nucleotide variant.
Coding change: c.1891G>T on transcript NM_001278116.2 (MANE Select); coding-DNA position 1891, G replaced by T.
Protein change: p.Val631Leu; replaces valine 631 with leucine.
Molecular consequence: missense variant.
Genome position (GRCh38, 1-based): chrX:153,867,848, C>A on the plus strand (G>T on the coding strand, the complement: L1CAM is on the minus strand). VCF-style: chrX-153867848-C-A. GRCh37 (hg19) VCF-style: chrX-153133303-C-A.
Other names: c.1891G>T, p.Val631Leu (NM_000425.5, NM_024003.3); c.1876G>T, p.Val626Leu (NM_001143963.2); short protein forms V626L, V631L.
Identifiers: ClinVar variation 3254548 (VCV003254548.1), dbSNP rs2520994830.

ClinVar aggregate classification (germline): Uncertain significance (1 of 4 stars; one submission).

Conditions:
MASA syndrome. Also called: ADDUCTED THUMB WITH MENTAL RETARDATION; CLASPED THUMB AND MENTAL RETARDATION; GAREIS-MASON SYNDROME; MENTAL RETARDATION, APHASIA, SHUFFLING GAIT, AND ADDUCTED THUMBS; MASA Syndrome (Mental Retardation, Adducted Thumbs, Shuffling Gait, and Aphasia); CRASH syndrome. Identifiers: Orphanet 2466, MedGen C0795953, MONDO:0010559, OMIM 303350.

Submission:

Victorian Clinical Genetics Services, Murdoch Childrens Research Institute
Classification: Uncertain significance for MASA syndrome. Last evaluated: 2023-07-16. Review status: criteria provided, single submitter. Criteria: ACMG Guidelines, 2015. Collection method: clinical testing. Allele origin: germline. Inheritance: X-linked recessive inheritance. Affected: yes.
Comment: Based on the classification scheme VCGS_Germline_v1.3.4, this variant is classified as VUS-3B. Following criteria are met: 0102 - Loss of function is a known mechanism of disease in this gene and is associated with partial agenesis of corpus callosum (MIM#304100), MASA/CRASH syndrome (MIM#303350) and hydrocephalus due to aqueductal stenosis/with congenital idiopathic intestinal pseudoobstruction/with Hirschsprung disease (MIM#307000). (I) 0109 - This gene is associated with X-linked recessive disease. (I) 0115 - Variants in this gene are known to have variable expressivity. Both inter and intra-familial variability have been reported (PMID: 7562969, 16650080). (I) 0200 - Variant is predicted to result in a missense amino acid change from valine to leucine. (I) 0253 - This variant is hemizygous. (I) 0301 - Variant is absent from gnomAD (both v2 and v3). (SP) 0502 - Missense variant with conflicting in silico predictions and uninformative conservation. (I) 0600 - Variant is located in the annotated fibronectin type III domain (DECIPHER). (I) 0705 - No comparable missense variants have previous evidence for pathogenicity. (I) 0807 - This variant has no previous evidence of pathogenicity. (I) 0905 - No published segregation evidence has been identified for this variant. (I) 1007 - No published functional evidence has been identified for this variant. (I) Legend: (SP) - Supporting pathogenic, (I) - Information, (SB) - Supporting benign

Literature cited by the submitters: PubMed 7562969; PubMed 16650080.